The following is an entry in ClinVar:

ClinVar aggregate classification (germline): Benign. Review status: criteria provided, multiple submitters, no conflicts (2 of 4 stars). 2 submissions from 2 submitters: Benign (2). Last evaluated 2025-09-21.

Conditions:
Multiple synostoses syndrome 3 (SYNS3). Identifiers: Orphanet 3237, MedGen C2751826, MONDO:0013064, OMIM 612961.

Allele frequency attached by ClinVar (database versions not stated): 1000 Genomes Project 30x 0.00016; TOPMed 0.00018.
gnomAD v4.1: 130 of 1,613,992 alleles (0.0081%); highest among the groups gnomAD compares: East Asian, 0.18%; 1 homozygote.

Submissions (2):

Labcorp Genetics (formerly Invitae), Labcorp
Classification: Benign. Last evaluated: 2025-09-21. Review status: criteria provided, single submitter. Criteria: Invitae Variant Classification Sherloc (09022015). Collection method: clinical testing. Allele origin: germline.

Illumina Laboratory Services, Illumina
Classification: Benign for Multiple synostoses syndrome 3. Last evaluated: 2018-01-13. Review status: criteria provided, single submitter. Criteria: ICSL Variant Classification Criteria 13 December 2019. Collection method: clinical testing. Allele origin: germline.
Comment: This variant was observed in the ICSL laboratory as part of a predisposition screen in an ostensibly healthy population. It had not been previously curated by ICSL or reported in the Human Gene Mutation Database (HGMD: prior to June 1st, 2018), and was therefore a candidate for classification through an automated scoring system. Utilizing variant allele frequency, disease prevalence and penetrance estimates, and inheritance mode, an automated score was calculated to assess if this variant is too frequent to cause the disease. Based on the score and internal cut-off values, a variant classified as benign is not then subjected to further curation. The score for this variant resulted in a classification of benign for this disease.

NM_002010.3(FGF9):c.516G>T (p.Pro172=)

Gene: FGF9 (fibroblast growth factor 9; plus strand). Cytogenetic location: 13q12.11.
Variant type: single nucleotide variant.
Coding change: c.516G>T on transcript NM_002010.3 (MANE Select); coding-DNA position 516, G replaced by T.
Protein change: p.Pro172=; no amino-acid change (proline 172 retained).
Molecular consequence: synonymous variant.
Genome position (GRCh38, 1-based): chr13:21,701,324, G>T. VCF-style: chr13-21701324-G-T. GRCh37 (hg19) VCF-style: chr13-22275463-G-T.
Identifiers: ClinVar variation 311425 (VCV000311425.12), dbSNP rs201876493, ClinGen allele CA6909509.
Genomic context (GRCh38, chr13:21,701,324, plus strand): 5'-ATATAAGCACGTGGACACTGGAAGGCGATACTATGTTGCATTAAATAAAGATGGGACCCC[G>T]AGAGAAGGGACTAGGACTAAACGGCACCAGAAATTCACACATTTTTTACCTAGACCAGTG-3'
Protein context (NP_002001.1, residues 162-182): YYVALNKDGT[Pro172=]REGTRTKRHQ